The following is an entry in ClinVar:

NM_000719.7(CACNA1C):c.6179C>G (p.Thr2060Ser)

Genes: CACNA1C (calcium voltage-gated channel subunit alpha1 C; plus strand), CACNA1C-AS1 (CACNA1C antisense RNA 1; minus strand). Cytogenetic location: 12p13.33.
Variant type: single nucleotide variant.
Coding change: c.6179C>G on transcript NM_000719.7 (MANE Select); coding-DNA position 6179, C replaced by G.
Protein change: p.Thr2060Ser; replaces threonine 2060 with serine.
Molecular consequence: missense variant. On other transcripts: non-coding transcript variant (1).
Genome position (GRCh38, 1-based): chr12:2,690,961, C>G. VCF-style: chr12-2690961-C-G. GRCh37 (hg19) VCF-style: chr12-2800127-C-G.
Other names: c.6323C>G, p.Thr2108Ser (NM_001129827.2); c.6203C>G, p.Thr2068Ser (NM_001129838.2, NM_001129837.2); c.6197C>G, p.Thr2066Ser (NM_001129839.2); c.6179C>G, p.Thr2060Ser (NM_001129840.2, NM_001129841.2, NM_001129842.2 and 2 more transcripts); c.6170C>G, p.Thr2057Ser (NM_001129844.2); c.6146C>G, p.Thr2049Ser (NM_001129846.2); c.6284C>G, p.Thr2095Ser (NM_001167624.3, NM_001129830.3); c.6359C>G, p.Thr2120Ser (NM_001167625.2); and 6 more; short protein forms T2049S, T2057S, T2060S, T2066S, T2068S, T2077S, T2079S, T2080S.
Identifiers: ClinVar variation 4868061 (VCV004868061.1).

ClinVar aggregate classification (germline): Uncertain significance (1 of 4 stars; one submission).

Conditions:
Cardiovascular phenotype. Identifiers: MedGen CN230736.

Submission:

Ambry Genetics
Classification: Uncertain significance for Cardiovascular phenotype. Last evaluated: 2026-04-27. Review status: criteria provided, single submitter. Criteria: Ambry Variant Classification Scheme 2023. Collection method: clinical testing. Allele origin: germline.
Comment: The p.T2060S variant (also known as c.6179C>G), located in coding exon 47 of the CACNA1C gene, results from a C to G substitution at nucleotide position 6179. The threonine at codon 2060 is replaced by serine, an amino acid with similar properties. This amino acid position is conserved. In addition, this alteration is predicted to be tolerated by in silico analysis. Based on the available evidence, the clinical significance of this variant remains unclear.